The following is an entry in ClinVar:

NM_016292.3(TRAP1):c.330G>C (p.Glu110Asp)

Gene: TRAP1 (TNF receptor associated protein 1; minus strand). Cytogenetic location: 16p13.3.
Variant type: single nucleotide variant.
Coding change: c.330G>C on transcript NM_016292.3 (MANE Select); coding-DNA position 330, G replaced by C.
Protein change: p.Glu110Asp; replaces glutamic acid 110 with aspartic acid.
Molecular consequence: missense variant.
Genome position (GRCh38, 1-based): chr16:3,689,055, C>G on the plus strand (G>C on the coding strand, the complement: TRAP1 is on the minus strand). VCF-style: chr16-3689055-C-G. GRCh37 (hg19) VCF-style: chr16-3739056-C-G.
Other names: c.171G>C, p.Glu57Asp (NM_001272049.2); short protein forms E110D, E57D.
Identifiers: ClinVar variation 1996907 (VCV001996907.4), dbSNP rs778701624, ClinGen allele CA394571622.

ClinVar aggregate classification (germline): Uncertain significance (1 of 4 stars; one submission).

Submission:

Labcorp Genetics (formerly Invitae), Labcorp
Classification: Uncertain significance. Last evaluated: 2024-01-22. Review status: criteria provided, single submitter. Criteria: Invitae Variant Classification Sherloc (09022015). Collection method: clinical testing. Allele origin: germline.
Comment: This sequence change replaces glutamic acid, which is acidic and polar, with aspartic acid, which is acidic and polar, at codon 110 of the TRAP1 protein (p.Glu110Asp). This variant also falls at the last nucleotide of exon 3, which is part of the consensus splice site for this exon. This variant is not present in population databases (gnomAD no frequency). This variant has not been reported in the literature in individuals affected with TRAP1-related conditions. ClinVar contains an entry for this variant (Variation ID: 1996907). An algorithm developed to predict the effect of missense changes on protein structure and function (PolyPhen-2) suggests that this variant is likely to be disruptive. Variants that disrupt the consensus splice site are a relatively common cause of aberrant splicing (PMID: 17576681, 9536098). Algorithms developed to predict the effect of sequence changes on RNA splicing suggest that this variant may disrupt the consensus splice site. In summary, the available evidence is currently insufficient to determine the role of this variant in disease. Therefore, it has been classified as a Variant of Uncertain Significance.

Literature cited by the submitters: PubMed 17576681; PubMed 9536098.